The following is an entry in ClinVar:

ClinVar aggregate classification (germline): Benign (1 of 4 stars; one submission).

Conditions:
Oligodontia-cancer predisposition syndrome. Also called: TOOTH AGENESIS-COLORECTAL CANCER SYNDROME. Identifiers: Orphanet 300576, MedGen C1837750, MONDO:0012075, OMIM 608615. Disease mechanism: loss of function.

Submission:

Myriad Genetics, Inc.
Classification: Benign for Oligodontia-cancer predisposition syndrome. Last evaluated: 2024-07-08. Review status: criteria provided, single submitter. Criteria: Myriad Autosomal Dominant, Autosomal Recessive and X-Linked Classification Criteria (2023). Collection method: clinical testing. Allele origin: unknown.
Comment: This variant is considered benign. This variant is a silent/synonymous amino acid change and it is not expected to impact splicing.

NM_004655.4(AXIN2):c.1884G>C (p.Arg628=)

Gene: AXIN2 (axin 2; minus strand). Cytogenetic location: 17q24.1.
Variant type: single nucleotide variant.
Coding change: c.1884G>C on transcript NM_004655.4 (MANE Select); coding-DNA position 1884, G replaced by C.
Protein change: p.Arg628=; no amino-acid change (arginine 628 retained).
Molecular consequence: synonymous variant. On other transcripts: intron variant (1).
Genome position (GRCh38, 1-based): chr17:65,536,892, C>G on the plus strand (G>C on the coding strand, the complement: AXIN2 is on the minus strand). VCF-style: chr17-65536892-C-G. GRCh37 (hg19) VCF-style: chr17-63533010-C-G.
Other names: c.1713-339G>C (NM_001363813.1).
Identifiers: ClinVar variation 3379155 (VCV003379155.1).
Genomic context (GRCh38, chr17:65,536,892, plus strand): 5'-GACCCTCGCGGCCGCGGCGGCGGCAAGCGGTGTTTACCTATGGGGCTTGGGCTTGCTCTG[C>G]CGCTCACTCTCCAGCATCCACTGCCAGACATCCTGCGACCTGTCTCCTTCCTCCCGGGGA-3'
Protein context (NP_004646.3, residues 618-638): DVWQWMLESE[Arg628=]QSKPKPHSAQ